The following is an entry in ClinVar:

ClinVar aggregate classification (germline): Uncertain significance. Review status: criteria provided, multiple submitters, no conflicts (2 of 4 stars). 4 submissions from 4 submitters: Uncertain significance (3). 1 of the submissions does not count toward it. Last evaluated 2024-07-30.

Conditions:
Inborn genetic diseases. Identifiers: MedGen C0950123, MeSH D030342.
Long chain 3-hydroxyacyl-CoA dehydrogenase deficiency. Also called: Deficiency of long-chain 3-hydroxyacyl-coenzyme A dehydrogenase; LCHAD Deficiency. Identifiers: Orphanet 5, MedGen C3711645, MONDO:0012173, OMIM 609016.

Allele frequency attached by ClinVar (database versions not stated): TOPMed 0.00001.
gnomAD v4.1: 11 of 1,612,000 alleles (0.00068%); highest among the groups gnomAD compares: African/African-American, 0.0027%; no homozygotes.

Submissions (4):

Ambry Genetics
Classification: Uncertain significance for Inborn genetic diseases. Last evaluated: 2024-07-30. Review status: criteria provided, single submitter. Criteria: Ambry Variant Classification Scheme 2023. Collection method: clinical testing. Allele origin: germline.

GeneDx
Classification: Uncertain significance. Last evaluated: 2023-04-06. Review status: criteria provided, single submitter. Criteria: GeneDx Variant Classification Process June 2021. Collection method: clinical testing. Allele origin: germline. Affected: yes.
Comment: Not observed at a significant frequency in large population cohorts (gnomAD); In silico analysis supports that this missense variant does not alter protein structure/function; Has not been previously published as pathogenic or benign to our knowledge

ARUP Laboratories, Molecular Genetics and Genomics, ARUP Laboratories
Classification: Uncertain significance. Last evaluated: 2017-09-16. Review status: criteria provided, single submitter. Criteria: ARUP Molecular Germline Variant Investigation Process. Collection method: clinical testing. Allele origin: germline.
Comment: The p.Glu515Lys variant (rs763353852) has not been reported in the medical literature, is not listed in gene-specific variant databases, nor has it been previously identified in our laboratory. It is listed in the Genome Aggregation Database (gnomAD) browser with a frequency in non-Finnish European populations of 0.002% (identified in 3 out of 111,684 chromosomes). The glutamic acid at codon 515 is weakly conserved considering 12 species (Alamut software v2.9), although computational analyses return mixed results regarding the effect of this variant on HADHA protein structure/function (SIFT: tolerated, PolyPhen2: benign, and Mutation Taster: disease causing). Thus, based on the available information, the clinical significance of the p.Glu515Lys variant cannot be determined with certainty.

Natera, Inc.
Classification: Uncertain significance for Deficiency of long-chain 3-hydroxyacyl-coenzyme A dehydrogenase. Last evaluated: 2020-01-17. Review status: no assertion criteria provided. Collection method: clinical testing. Allele origin: germline. Not counted in ClinVar's aggregate classification.

NM_000182.5(HADHA):c.1543G>A (p.Glu515Lys)

Genes: GAREM2 (GRB2 associated regulator of MAPK1 subtype 2; plus strand), HADHA (hydroxyacyl-CoA dehydrogenase trifunctional multienzyme complex subunit alpha; minus strand). Cytogenetic location: 2p23.3.
Variant type: single nucleotide variant.
Coding change: c.1543G>A on transcript NM_000182.5 (MANE Select); coding-DNA position 1543, G replaced by A.
Protein change: p.Glu515Lys; replaces glutamic acid 515 with lysine.
Molecular consequence: missense variant.
Genome position (GRCh38, 1-based): chr2:26,195,169, C>T on the plus strand (G>A on the coding strand, the complement: HADHA is on the minus strand). VCF-style: chr2-26195169-C-T. GRCh37 (hg19) VCF-style: chr2-26418038-C-T.
Other names: short protein forms E515K.
Identifiers: ClinVar variation 618671 (VCV000618671.13), dbSNP rs763353852, ClinGen allele CA1559532.
Genomic context (GRCh38, chr2:26,195,169, plus strand): 5'-CCTTCCCCTGCTTGAGACCAACTGCTACAGCTGAAGCACTGGTGTCTTTGGAAGTTTTCT[C>T]GGTCGTGATAATCTCCAGCAGCTGCATCTTGTCCACGGGAGAGAAGTAGTGCATGCCAAT-3'
Protein context (NP_000173.2, residues 505-525): KMQLLEIITT[Glu515Lys]KTSKDTSASA